The following is an entry in ClinVar:

ClinVar aggregate classification (germline): Uncertain significance (1 of 4 stars; one submission).

Allele frequency attached by ClinVar (database versions not stated): gnomAD 0.00001; TOPMed 0.00001.
gnomAD v4.1: 5 of 1,612,042 alleles (0.00031%); highest among the groups gnomAD compares: Middle Eastern, 0.033%; no homozygotes.

Submission:

GeneDx
Classification: Uncertain significance. Last evaluated: 2022-12-08. Review status: criteria provided, single submitter. Criteria: GeneDx Variant Classification Process June 2021. Collection method: clinical testing. Allele origin: germline. Affected: yes.
Comment: Has not been previously published as pathogenic or benign to our knowledge; Not observed at significant frequency in large population cohorts (gnomAD); Missense variant in a gene in which most reported pathogenic variants are truncating/loss-of-function

NM_001267550.2(TTN):c.50867C>A (p.Thr16956Lys)

Genes: TTN (titin; minus strand), TTN-AS1 (TTN antisense RNA 1; plus strand). Cytogenetic location: 2q31.2.
Variant type: single nucleotide variant.
Coding change: c.50867C>A on transcript NM_001267550.2 (MANE Select); coding-DNA position 50867, C replaced by A.
Protein change: p.Thr16956Lys; replaces threonine 16956 with lysine.
Molecular consequence: missense variant.
Genome position (GRCh38, 1-based): chr2:178,611,262, G>T on the plus strand (C>A on the coding strand, the complement: TTN is on the minus strand). VCF-style: chr2-178611262-G-T. GRCh37 (hg19) VCF-style: chr2-179475989-G-T.
Other names: c.45944C>A, p.Thr15315Lys (NM_001256850.1); c.23672C>A, p.Thr7891Lys (NM_003319.4); c.43163C>A, p.Thr14388Lys (NM_133378.4); c.24047C>A, p.Thr8016Lys (NM_133432.3); c.24248C>A, p.Thr8083Lys (NM_133437.4); c.50867C>A (NM_001267550.1); short protein forms T15315K, T16956K, T7891K, T8016K, T8083K, T14388K.
Identifiers: ClinVar variation 1314512 (VCV001314512.3), dbSNP rs1040561744, ClinGen allele CA60984684.